The following is an entry in ClinVar:

NM_001999.4(FBN2):c.287_289del (p.Tyr96del)

Gene: FBN2 (fibrillin 2; minus strand). Cytogenetic location: 5q23.3.
Variant type: Deletion.
Coding change: c.287_289del on transcript NM_001999.4 (MANE Select); coding-DNA positions 287 to 289, 3 bases deleted (ACT; older notation c.287_289delACT).
Protein change: p.Tyr96del; deletes tyrosine 96.
Molecular consequence: inframe deletion.
Genome position (GRCh38, 1-based): chr5:128,536,450-128,536,452, AGT deleted on the plus strand (ACT on the coding strand, the reverse complement: FBN2 is on the minus strand); deleting any 3 consecutive bases within chr5:128,536,450-128,536,454 gives the same sequence; the c. name uses the placement nearest the transcript's 3' end. VCF-style (leftmost placement, unchanged base first): chr5-128536449-CAGT-C. GRCh37 (hg19) VCF-style: chr5-127872142-CAGT-C.
Other names: c.287_289delACT (NM_001999.4); short protein forms Y96del.
Identifiers: ClinVar variation 213385 (VCV000213385.28), dbSNP rs555068280, ClinGen allele CA324183.
Genomic context (GRCh38, chr5:128,536,449, plus strand): 5'-GCCAAGCACTCACGGACAATGCACTGGTTTCCTCCAGGGAGCGTCTTCCATCCAGGGCAG[CAGT>C]AGGAGTGGAATCTGGAGCCGCACACGTTGGGCCTGTGATGGACAAGCGCGGTCACGTAAC-3'

ClinVar aggregate classification (germline): Conflicting classifications of pathogenicity. Review status: criteria provided, conflicting classifications (1 of 4 stars). 8 submissions from 7 submitters: Uncertain significance (3); Likely benign (3). 2 of the submissions do not count toward it. Last evaluated 2026-08-06.

Conditions:
FBN2-related disorder. Also called: FBN2-related condition.
Congenital contractural arachnodactyly (CCA). Also called: Arthrogryposis, distal, type 9; Beals-Hecht syndrome; BEALS SYNDROME. Identifiers: Orphanet 115, MedGen C0220668, MONDO:0007363, OMIM 121050.
Familial thoracic aortic aneurysm and aortic dissection (TAAD). Also called: Thoracic aortic aneurysms and dissections. Identifiers: Orphanet 91387, MedGen C4707243, MONDO:0019625.

Submissions (8):

GeneDx
Classification: Uncertain significance. Last evaluated: 2026-08-06. Review status: criteria provided, single submitter. Criteria: GeneDx Variant Classification Process June 2021. Collection method: clinical testing. Allele origin: germline.
Comment: Reported in one patient with pulmonary nontuberculous mycobacteria; although members of this study cohort were evaluated for associated connective tissue features, no patient-specific clinical data or family member data were included for this variant (PMID: 26038974); In-frame deletion of 1 amino acid(s) in a non-repeat region; In silico analysis supports a deleterious effect on protein structure/function; This variant is associated with the following publications: (PMID: 19006240, 18767143, 26038974)

Labcorp Genetics (formerly Invitae), Labcorp
Classification: Likely benign for Congenital contractural arachnodactyly. Last evaluated: 2026-01-17. Review status: criteria provided, single submitter. Criteria: Invitae Variant Classification Sherloc (09022015). Collection method: clinical testing. Allele origin: germline.

Blueprint Genetics
Classification: Likely benign. Last evaluated: 2024-08-27. Review status: criteria provided, single submitter. Criteria: ACMG Guidelines, 2015. Collection method: clinical testing. Allele origin: germline.

ARUP Laboratories, Molecular Genetics and Genomics, ARUP Laboratories
Classification: Uncertain significance. Last evaluated: 2024-06-10. Review status: criteria provided, single submitter. Criteria: ARUP Molecular Germline Variant Investigation Process 2024. Collection method: clinical testing. Allele origin: germline.
Comment: The FBN2 c.287_289del; p.Tyr96del variant (rs555068280, ClinVar Variation ID: 213385) is reported in the literature in one individual affected with pulmonary nontuberculous mycobacteria infection; however, disease association is unclear (Szymanski 2015). This variant is found in the general population with an overall allele frequency of 0.02% (57/281,814 alleles) in the Genome Aggregation Database (v2.1.1). This variant deletes a single tyrosine residue leaving the rest of the protein in-frame. Due to limited information, the clinical significance of this variant is uncertain at this time. References: Szymanski EP et al. Pulmonary Nontuberculous Mycobacterial Infection. A Multisystem, Multigenic Disease. Am J Respir Crit Care Med. 2015 Sep 1;192(5):618-28. PMID: 26038974.

Women's Health and Genetics/Laboratory Corporation of America, LabCorp
Classification: Likely benign. Last evaluated: 2023-11-06. Review status: criteria provided, single submitter. Criteria: LabCorp Variant Classification Summary - May 2015. Collection method: clinical testing. Allele origin: germline.
Comment: Variant summary: FBN2 c.287_289delACT (p.Tyr96del) results in an in-frame deletion that is predicted to remove one amino acid from the encoded protein. The variant allele was found at a frequency of 0.00021 in 250414 control chromosomes. The observed variant frequency is approximately 169.32 fold of the estimated maximal expected allele frequency for a pathogenic variant in FBN2 causing Aortopathy phenotype (1.3e-06), strongly suggesting that the variant is benign. c.287_289delACT has been reported in the literature in a patient with pulmonary nontuberculous mycobacteria infection, without strong evidence for causality (Szymanksi_2015). This report does not provide unequivocal conclusions about association of the variant with Aortopathy. To our knowledge, no experimental evidence demonstrating an impact on protein function has been reported. The following publication have been ascertained in the context of this evaluation (PMID: 26038974). Three submitters have cited clinical-significance assessments for this variant to ClinVar after 2014: two classified the variant as VUS while one classified as likely benign. Based on the evidence outlined above, the variant was classified as likely benign.

Ambry Genetics
Classification: Uncertain significance for Familial thoracic aortic aneurysm and aortic dissection. Last evaluated: 2021-09-03. Review status: criteria provided, single submitter. Criteria: Ambry Variant Classification Scheme 2023. Collection method: clinical testing. Allele origin: germline.
Comment: The c.287_289delACT variant (also known as p.Y96del) is located in coding exon 2 of the FBN2 gene. This variant results from an in-frame deletion of 3 nucleotides at positions 287 to 289. This results in the deletion of a tyrosine residue at codon 96. This variant was reported once in an exome pulmonary nontuberculous mycobacterial infection cohort; however, clinical details were limited (Szymanski EP et al. Am J Respir Crit Care Med, 2015 Sep;192:618-28). This amino acid position is well conserved in available vertebrate species. In addition, this alteration is predicted to be deleterious by in silico analysis (Choi Y et al. PLoS ONE. 2012; 7(10):e46688). Since supporting evidence is limited at this time, the clinical significance of this variant remains unclear.

PreventionGenetics, part of Exact Sciences
Classification: Likely benign for FBN2-related condition. Last evaluated: 2022-03-16. Review status: no assertion criteria provided. Collection method: clinical testing. Allele origin: germline. Not counted in ClinVar's aggregate classification.
Comment: This variant is classified as likely benign based on ACMG/AMP sequence variant interpretation guidelines (Richards et al. 2015 PMID: 25741868, with internal and published modifications).

Ambry Genetics
Classification: Uncertain significance for Familial thoracic aortic aneurysm and aortic dissection. Last evaluated: 2013-06-25. Review status: flagged submission. Criteria: Ambry Autosomal Dominant and X-Linked criteria (10/2015). Collection method: clinical testing. Allele origin: germline. Observed: 1 variant allele. Not counted in ClinVar's aggregate classification.
Comment: There is insufficient or conflicting evidence for classification of this alteration.
ClinVar note: Reason: This record appears to be redundant with a more recent record from the same submitter.
ClinVar note: Notes: SCV000318875 appears to be redundant with SCV000738961.

Literature cited by the submitters: PubMed 26038974 (cited by Women's Health and Genetics/Laboratory Corporation of America, LabCorp and Ambry Genetics).